The following is an entry in ClinVar:

NM_016239.4(MYO15A):c.7762C>T (p.Arg2588Trp)

Gene: MYO15A (myosin XVA; plus strand). Cytogenetic location: 17p11.2.
Variant type: single nucleotide variant.
Coding change: c.7762C>T on transcript NM_016239.4 (MANE Select); coding-DNA position 7762, C replaced by T.
Protein change: p.Arg2588Trp; replaces arginine 2588 with tryptophan.
Molecular consequence: missense variant.
Genome position (GRCh38, 1-based): chr17:18,151,502, C>T. VCF-style: chr17-18151502-C-T. GRCh37 (hg19) VCF-style: chr17-18054816-C-T.
Other names: short protein forms R2588W.
Identifiers: ClinVar variation 1120053 (VCV001120053.7), dbSNP rs778098806, ClinGen allele CA8424935.

ClinVar aggregate classification (germline): Conflicting classifications of pathogenicity. Review status: criteria provided, conflicting classifications (1 of 4 stars). 3 submissions from 3 submitters: Uncertain significance (2); Likely benign (1). Last evaluated 2024-07-27.

Conditions:
Inborn genetic diseases. Identifiers: MedGen C0950123, MeSH D030342.

Allele frequency attached by ClinVar (database versions not stated): TOPMed 0.00001; gnomAD exomes 0.00002 and 0.00004; ExAC 0.00003; gnomAD 0.00003 and 0.00004.
gnomAD v4.1: 68 of 1,614,194 alleles (0.0042%); highest among the groups gnomAD compares: East Asian, 0.0067%; no homozygotes.

Submissions (3):

Ambry Genetics
Classification: Uncertain significance for Inborn genetic diseases. Last evaluated: 2024-07-27. Review status: criteria provided, single submitter. Criteria: Ambry Variant Classification Scheme 2023. Collection method: clinical testing. Allele origin: germline.

GeneDx
Classification: Uncertain significance. Last evaluated: 2022-03-14. Review status: criteria provided, single submitter. Criteria: GeneDx Variant Classification Process June 2021. Collection method: clinical testing. Allele origin: germline. Affected: yes.
Comment: Not observed at significant frequency in large population cohorts (gnomAD); In silico analysis supports that this missense variant does not alter protein structure/function; Has not been previously published as pathogenic or benign to our knowledge

Laboratory for Molecular Medicine, Mass General Brigham Personalized Medicine
Classification: Likely benign. Last evaluated: 2020-08-13. Review status: criteria provided, single submitter. Criteria: LMM Criteria. Collection method: clinical testing. Allele origin: germline. Observed: 1 variant allele.
Comment: The p.Arg2588Trp variant in MYO15A is classified as likely benign due to a lack of conservation across species. Seven mammals (bushbaby, lesser Egyptian jerboa, prairie vole, Chinese hamster, golden hamster, mouse, rat) carry a tryptophan (Trp) at this position despite high nearby amino acid conservation. ACMG/AMP Criteria applied: BP4_Strong.